The following is an entry in ClinVar:

ClinVar aggregate classification (germline): Uncertain significance. Review status: criteria provided, multiple submitters, no conflicts (2 of 4 stars). 2 submissions from 2 submitters: Uncertain significance (2). Last evaluated 2026-02-09.

gnomAD v4.1: 127 of 1,608,674 alleles (0.0079%); highest among the groups gnomAD compares: Non-Finnish European, 0.01%; no homozygotes.

Submissions (2):

Dasa
Classification: Uncertain significance. Last evaluated: 2026-02-09. Review status: criteria provided, single submitter. Criteria: DASA Assertion Criteria. Collection method: clinical testing. Allele origin: germline.
Comment: NM_020795.4(NLGN2):c.992G>A (p.Arg331Gln) is a missense variant that results in the substitution of arginine with glutamine. This variant is rare in population databases. Computational prediction algorithms are consistent with a benign effect. The currently available literature and clinical evidence are not sufficient to establish a definitive association between this variant and the reported condition. Therefore, this variant is classified as a variant of uncertain significance.

Ambry Genetics
Classification: Uncertain significance. Last evaluated: 2024-12-22. Review status: criteria provided, single submitter. Criteria: Ambry Variant Classification Scheme 2023. Collection method: clinical testing. Allele origin: germline.

NM_020795.4(NLGN2):c.992G>A (p.Arg331Gln)

Gene: NLGN2 (neuroligin 2; plus strand). Cytogenetic location: 17p13.1.
Variant type: single nucleotide variant.
Coding change: c.992G>A on transcript NM_020795.4 (MANE Select); coding-DNA position 992, G replaced by A.
Protein change: p.Arg331Gln; replaces arginine 331 with glutamine.
Molecular consequence: missense variant.
Genome position (GRCh38, 1-based): chr17:7,415,103, G>A. VCF-style: chr17-7415103-G-A. GRCh37 (hg19) VCF-style: chr17-7318422-G-A.
Other names: short protein forms R331Q.
Identifiers: ClinVar variation 3879814 (VCV003879814.3).